The following is an entry in ClinVar:

NM_004360.5(CDH1):c.2524G>C (p.Ala842Pro)

Gene: CDH1 (cadherin 1; plus strand). Cytogenetic location: 16q22.1.
Variant type: single nucleotide variant.
Coding change: c.2524G>C on transcript NM_004360.5 (MANE Select); coding-DNA position 2524, G replaced by C.
Protein change: p.Ala842Pro; replaces alanine 842 with proline.
Molecular consequence: missense variant.
Genome position (GRCh38, 1-based): chr16:68,833,374, G>C. VCF-style: chr16-68833374-G-C. GRCh37 (hg19) VCF-style: chr16-68867277-G-C.
Other names: c.2524G>C (LRG_301t1); c.2341G>C, p.Ala781Pro (NM_001317184.2); c.976G>C, p.Ala326Pro (NM_001317185.2); c.559G>C, p.Ala187Pro (NM_001317186.2); short protein forms A842P, A781P, A187P, A326P.
Identifiers: ClinVar variation 187491 (VCV000187491.5), dbSNP rs786203774, ClinGen allele CA197774.
Genomic context (GRCh38, chr16:68,833,374, plus strand): 5'-CCCACAGCCCCGCCTTATGATTCTCTGCTCGTGTTTGACTATGAAGGAAGCGGTTCCGAA[G>C]CTGCTAGTCTGAGCTCCCTGAACTCCTCAGAGTCAGACAAAGACCAGGACTATGACTACT-3'
Protein context (NP_004351.1, residues 832-852): VFDYEGSGSE[Ala842Pro]ASLSSLNSSE

ClinVar aggregate classification (germline): Uncertain significance (1 of 4 stars; one submission).

Conditions:
Hereditary cancer-predisposing syndrome. Also called: Neoplastic Syndromes, Hereditary; Tumor predisposition; Hereditary Cancer Syndrome; Hereditary neoplastic syndrome. Identifiers: Orphanet 140162, MedGen C0027672, MeSH D009386, MONDO:0015356.

Submission:

Ambry Genetics
Classification: Uncertain significance for Hereditary cancer-predisposing syndrome. Last evaluated: 2014-12-17. Review status: criteria provided, single submitter. Criteria: Ambry Variant Classification Scheme 2023. Collection method: clinical testing. Allele origin: germline.
Comment: The p.A842P variant (also known as c.2524G>C), located in coding exon 16 of the CDH1 gene, results from a G to C substitution at nucleotide position 2524. The alanine at codon 842 is replaced by proline, an amino acid with highly similar properties. This variant was not reported in population based cohorts in the following databases: Database of Single Nucleotide Polymorphisms (dbSNP), NHLBI Exome Sequencing Project (ESP), and 1000 Genomes Project. In the ESP, this variant was not observed in 6498 samples (12996 alleles) with coverage at this position. To date, this alteration has been detected with an allele frequency of approximately 0.001% (greater than 73000 alleles tested) in our clinical cohort. This amino acid position is highly conserved in available vertebrate species. In addition, this alteration is predicted to be deleterious by in silico analysis. Since supporting evidence is limited at this time, the clinical significance of p.A842P remains unclear.